The following is an entry in ClinVar:

NM_002880.4(RAF1):c.1831C>A (p.His611Asn)

Gene: RAF1 (Raf-1 proto-oncogene, serine/threonine kinase; minus strand). Cytogenetic location: 3p25.2.
Variant type: single nucleotide variant.
Coding change: c.1831C>A on transcript NM_002880.4 (MANE Select); coding-DNA position 1831, C replaced by A.
Protein change: p.His611Asn; replaces histidine 611 with asparagine.
Molecular consequence: missense variant. On other transcripts: non-coding transcript variant (3).
Genome position (GRCh38, 1-based): chr3:12,584,630, G>T on the plus strand (C>A on the coding strand, the complement: RAF1 is on the minus strand). VCF-style: chr3-12584630-G-T. GRCh37 (hg19) VCF-style: chr3-12626129-G-T.
Other names: c.1891C>A, p.His631Asn (NM_001354689.3); c.1831C>A, p.His611Asn (NM_001354690.3); c.1588C>A, p.His530Asn (NM_001354691.3, NM_001354692.3); c.1732C>A, p.His578Asn (NM_001354693.3); c.1648C>A, p.His550Asn (NM_001354694.3); c.1489C>A, p.His497Asn (NM_001354695.3); short protein forms H497N, H530N, H550N, H578N, H611N, H631N.
Identifiers: ClinVar variation 4855647 (VCV004855647.1).
Genomic context (GRCh38, chr3:12,584,630, plus strand): 5'-TGTGGGCTGCCCGATGCAAGGATGGCTCGGAAGCGCTCCGGTTGATCTTCGGTAGAGAGT[G>T]TTGGAGCAGCTCAATGGAAGACAGGATCTGAAACAAAGCCCAAGAATGCTCTCATTAGCT-3'
Protein context (NP_002871.1, residues 601-621): QILSSIELLQ[His611Asn]SLPKINRSAS

ClinVar aggregate classification (germline): Likely pathogenic (1 of 4 stars; one submission).

Conditions:
RAF1-related disorder. Also called: RAF1-related disorders; RAF1-related condition.

Submission:

3billion
Classification: Likely pathogenic for RAF1-related disorder. Last evaluated: 2025-11-03. Review status: criteria provided, single submitter. Criteria: ACMG Guidelines, 2015. Collection method: clinical testing. Allele origin: germline. Affected: yes.
Comment: The variant is not observed in the gnomAD v4.1.0 dataset. Predicted Consequence/Location: The variant is located in a mutational hot spot and/or well-established functional domain in which established pathogenic variants have been reported (PMID: 29493581). Missense variant. Missense changes are a common disease-causing mechanism. In silico tool predictions suggest damaging effect of the variant on gene or gene product [REVEL: 0.64 (>=0.6, sensitivity 0.68 and specificity 0.92)]. A different missense change at the same codon (p.His611Leu) has been reported to be associated with RAF1-related disorder (ClinVar ID: VCV004082712). However the evidence of pathogenicity is insufficient at this time. Therefore, this variant is classified as Likely pathogenic according to the recommendation of ACMG/AMP guideline.